The following is an entry in ClinVar:

NM_001128126.3(AP4S1):c.70G>A (p.Asp24Asn)

Gene: AP4S1 (adaptor related protein complex 4 subunit sigma 1; plus strand). Cytogenetic location: 14q12.
Variant type: single nucleotide variant.
Coding change: c.70G>A on transcript NM_001128126.3 (MANE Select); coding-DNA position 70, G replaced by A.
Protein change: p.Asp24Asn; replaces aspartic acid 24 with asparagine.
Molecular consequence: missense variant.
Genome position (GRCh38, 1-based): chr14:31,066,266, G>A. VCF-style: chr14-31066266-G-A. GRCh37 (hg19) VCF-style: chr14-31535472-G-A.
Other names: c.70G>A, p.Asp24Asn (NM_001254726.2, NM_001254727.2, NM_001254728.2 and 2 more transcripts); c.70G>A (NM_007077.3); short protein forms D24N.
Identifiers: ClinVar variation 1407838 (VCV001407838.8), dbSNP rs61976851, ClinGen allele CA7144133.

ClinVar aggregate classification (germline): Uncertain significance. Review status: criteria provided, multiple submitters, no conflicts (2 of 4 stars). 2 submissions from 2 submitters: Uncertain significance (2). Last evaluated 2024-12-05.

Conditions:
Inborn genetic diseases. Identifiers: MedGen C0950123, MeSH D030342.
Spastic paraplegia. Identifiers: MedGen C0037772, HP:0001258.

Allele frequency attached by ClinVar (database versions not stated): gnomAD exomes 0.00002 and 0.00012; gnomAD 0.00003; TOPMed 0.00006; ExAC 0.00013.

Submissions (2):

Ambry Genetics
Classification: Uncertain significance for Inborn genetic diseases. Last evaluated: 2024-12-05. Review status: criteria provided, single submitter. Criteria: Ambry Variant Classification Scheme 2023. Collection method: clinical testing. Allele origin: germline.

Labcorp Genetics (formerly Invitae), Labcorp
Classification: Uncertain significance for Spastic paraplegia. Last evaluated: 2024-11-05. Review status: criteria provided, single submitter. Criteria: Invitae Variant Classification Sherloc (09022015). Collection method: clinical testing. Allele origin: germline.
Comment: This sequence change replaces aspartic acid, which is acidic and polar, with asparagine, which is neutral and polar, at codon 24 of the AP4S1 protein (p.Asp24Asn). This variant is present in population databases (rs61976851, gnomAD 0.08%). This variant has not been reported in the literature in individuals affected with AP4S1-related conditions. ClinVar contains an entry for this variant (Variation ID: 1407838). An algorithm developed to predict the effect of missense changes on protein structure and function (PolyPhen-2) suggests that this variant is likely to be disruptive. In summary, the available evidence is currently insufficient to determine the role of this variant in disease. Therefore, it has been classified as a Variant of Uncertain Significance.